The following is an entry in ClinVar:

NM_000091.5(COL4A3):c.3566-10T>C

Genes: MFF-DT (MFF divergent transcript; minus strand), COL4A3 (collagen type IV alpha 3 chain; plus strand). Cytogenetic location: 2q36.3.
Variant type: single nucleotide variant.
Coding change: c.3566-10T>C on transcript NM_000091.5 (MANE Select); 10 bases into the intron before coding-DNA position 3566, T replaced by C.
Molecular consequence: intron variant.
Genome position (GRCh38, 1-based): chr2:227,297,664, T>C. VCF-style: chr2-227297664-T-C. GRCh37 (hg19) VCF-style: chr2-228162380-T-C.
Other names: p.?.
Identifiers: ClinVar variation 334774 (VCV000334774.21), dbSNP rs114719458, ClinGen allele CA2147300.
Genomic context (GRCh38, chr2:227,297,664, plus strand): 5'-AAAGATAGTCAAGAACTCTAACCCAAGCATATGGGCATTAAAGAAACTTATTAAGCCTTC[T>C]TCTTTGCAGGAGCCAAAGGAGACAGGGGAGCCCCAGGTTTTCCTGGCCTCCCGGGCAGAA-3'

ClinVar aggregate classification (germline): Benign/Likely benign. Review status: criteria provided, multiple submitters, no conflicts (2 of 4 stars). 7 submissions from 7 submitters: Benign (2); Likely benign (3). 2 of the submissions do not count toward it. Last evaluated 2026-01-31.

Conditions:
Alport syndrome. Also called: Hemorrhagic familial nephritis; Hemorrhagic hereditary nephritis; Congenital hereditary hematuria. Identifiers: Orphanet 63, MedGen C1567741, MONDO:0018965.
COL4A3-related disorder. Also called: COL4A3-Related Disorders; COL4A3-related condition.
Autosomal dominant Alport syndrome (ATS3A). Also called: Alport syndrome dominant type; Renal failure and sensorineural hearing loss; ALPORT SYNDROME 3A, AUTOSOMAL DOMINANT. Identifiers: Orphanet 63, Orphanet 88918, MedGen C5882663, MONDO:0007086, OMIM 104200.

Allele frequency attached by ClinVar (database versions not stated): gnomAD exomes 0.00030 and 0.00070; ExAC 0.00152; ESP Exome Variant Server 0.00271; gnomAD 0.00313 and 0.00331; TOPMed 0.00330; 1000 Genomes Project 0.00399; 1000 Genomes Project 30x 0.00515.
gnomAD v4.1: 923 of 1,602,854 alleles (0.058%); highest among the groups gnomAD compares: African/African-American, 1.1%; 2 homozygotes.

Submissions (7):

Labcorp Genetics (formerly Invitae), Labcorp
Classification: Benign. Last evaluated: 2026-01-31. Review status: criteria provided, single submitter. Criteria: Invitae Variant Classification Sherloc (09022015). Collection method: clinical testing. Allele origin: germline.

Mayo Clinic Laboratories, Mayo Clinic
Classification: Likely benign. Last evaluated: 2025-02-21. Review status: criteria provided, single submitter. Criteria: ACMG Guidelines, 2015. Collection method: clinical testing. Allele origin: germline. Observed: 2 variant alleles.
Comment: BS1, BP4, BP7

Blueprint Genetics
Classification: Likely benign. Last evaluated: 2024-10-23. Review status: criteria provided, single submitter. Criteria: ACMG Guidelines, 2015. Collection method: clinical testing. Allele origin: germline.

GeneDx
Classification: Benign. Last evaluated: 2020-12-14. Review status: criteria provided, single submitter. Criteria: GeneDx Variant Classification Process June 2021. Collection method: clinical testing. Allele origin: germline. Affected: yes.

Illumina Laboratory Services, Illumina
Classification: Likely benign for Alport syndrome. Last evaluated: 2018-01-13. Review status: criteria provided, single submitter. Criteria: ICSL Variant Classification Criteria 13 December 2019. Collection method: clinical testing. Allele origin: germline.
Comment: This variant was observed in the ICSL laboratory as part of a predisposition screen in an ostensibly healthy population. It had not been previously curated by ICSL or reported in the Human Gene Mutation Database (HGMD: prior to June 1st, 2018), and was therefore a candidate for classification through an automated scoring system. Utilizing variant allele frequency, disease prevalence and penetrance estimates, and inheritance mode, an automated score was calculated to assess if this variant is too frequent to cause the disease. Based on the score and internal cut-off values, a variant classified as likely benign is not then subjected to further curation. The score for this variant resulted in a classification of likely benign for this disease.

Natera, Inc.
Classification: Benign for Autosomal dominant Alport syndrome. Last evaluated: 2020-06-02. Review status: no assertion criteria provided. Collection method: clinical testing. Allele origin: germline. Not counted in ClinVar's aggregate classification.

PreventionGenetics, part of Exact Sciences
Classification: Benign for COL4A3-related condition. Last evaluated: 2020-01-30. Review status: no assertion criteria provided. Collection method: clinical testing. Allele origin: germline. Not counted in ClinVar's aggregate classification.
Comment: This variant is classified as benign based on ACMG/AMP sequence variant interpretation guidelines (Richards et al. 2015 PMID: 25741868, with internal and published modifications).